The following is an entry in ClinVar:

ClinVar aggregate classification (germline): Pathogenic. Review status: criteria provided, single submitter (1 of 4 stars). 2 submissions from 2 submitters: Pathogenic (1). 1 of the submissions does not count toward it. Last evaluated 2025-02-06.

Allele frequency attached by ClinVar (database versions not stated): gnomAD exomes below 0.00001.

Submissions (2):

Labcorp Genetics (formerly Invitae), Labcorp
Classification: Pathogenic. Last evaluated: 2025-02-06. Review status: criteria provided, single submitter. Criteria: Invitae Variant Classification Sherloc (09022015). Collection method: clinical testing. Allele origin: germline.
Comment: This sequence change affects the initiator methionine of the RS1 mRNA. The next in-frame methionine is located at codon 148. This variant is not present in population databases (gnomAD no frequency). Disruption of the initiator codon has been observed in individual(s) with X-linked retinoschisis (PMID: 9618178, 17031297, 26823236). It has also been observed to segregate with disease in related individuals. ClinVar contains an entry for this variant (Variation ID: 98928). Studies have shown that disruption of the initiator codon alters RS1 gene expression (PMID: 20809529). For these reasons, this variant has been classified as Pathogenic.

Retina International
No classification provided. Review status: no classification provided. Collection method: not provided. Allele origin: unknown. Not counted in ClinVar's aggregate classification.

Literature cited by the submitters: PubMed 9618178 (cited by Labcorp Genetics (formerly Invitae), Labcorp); PubMed 17031297 (cited by Labcorp Genetics (formerly Invitae), Labcorp); PubMed 26823236 (cited by Labcorp Genetics (formerly Invitae), Labcorp); PubMed 20809529 (cited by Labcorp Genetics (formerly Invitae), Labcorp).

NM_000330.4(RS1):c.2T>C (p.Met1Thr)

Gene: RS1 (retinoschisin 1; minus strand). Cytogenetic location: Xp22.13.
Variant type: single nucleotide variant.
Coding change: c.2T>C on transcript NM_000330.4 (MANE Select); coding-DNA position 2, T replaced by C.
Protein change: p.Met1Thr; changes the start codon (methionine 1).
Molecular consequence: missense variant, initiator codon variant.
Genome position (GRCh38, 1-based): chrX:18,672,067, A>G on the plus strand (T>C on the coding strand, the complement: RS1 is on the minus strand). VCF-style: chrX-18672067-A-G. GRCh37 (hg19) VCF-style: chrX-18690187-A-G.
Other names: short protein forms M1T.
Identifiers: ClinVar variation 98928 (VCV000098928.3), dbSNP rs281865333, ClinGen allele CA226660.